The following is an entry in ClinVar:

ClinVar aggregate classification (germline): Uncertain significance (1 of 4 stars; one submission).

Conditions:
RYR1-related disorder. Also called: RYR1-related condition; RYR1-related disorders. Identifiers: MedGen CN239331.

Allele frequency attached by ClinVar (database versions not stated): gnomAD exomes below 0.00001; TOPMed 0.00002.
gnomAD v4.1: 2 of 1,613,774 alleles (0.00012%); highest among the groups gnomAD compares: Admixed American, 0.0033%; no homozygotes.

Submission:

Labcorp Genetics (formerly Invitae), Labcorp
Classification: Uncertain significance for RYR1-related disorder. Last evaluated: 2025-08-18. Review status: criteria provided, single submitter. Criteria: Invitae Variant Classification Sherloc (09022015). Collection method: clinical testing. Allele origin: germline.
Comment: This sequence change falls in intron 95 of the RYR1 gene. It does not directly change the encoded amino acid sequence of the RYR1 protein. It affects a nucleotide within the consensus splice site. This variant is present in population databases (no rsID available, gnomAD 0.006%). This variant has not been reported in the literature in individuals affected with RYR1-related conditions. ClinVar contains an entry for this variant (Variation ID: 2177813). Variants that disrupt the consensus splice site are a relatively common cause of aberrant splicing (PMID: 17576681, 9536098). Algorithms developed to predict the effect of sequence changes on RNA splicing suggest that this variant may disrupt the consensus splice site. In summary, the available evidence is currently insufficient to determine the role of this variant in disease. Therefore, it has been classified as a Variant of Uncertain Significance.

Literature cited by the submitters: PubMed 17576681; PubMed 9536098.

NM_000540.3(RYR1):c.13999-3C>G

Gene: RYR1 (ryanodine receptor 1; plus strand). Cytogenetic location: 19q13.2.
Variant type: single nucleotide variant.
Coding change: c.13999-3C>G on transcript NM_000540.3 (MANE Select); 3 bases into the intron before coding-DNA position 13999, C replaced by G.
Molecular consequence: intron variant.
Genome position (GRCh38, 1-based): chr19:38,573,174, C>G. VCF-style: chr19-38573174-C-G. GRCh37 (hg19) VCF-style: chr19-39063814-C-G.
Other names: c.13984-3C>G (NM_001042723.2).
Identifiers: ClinVar variation 2177813 (VCV002177813.2), dbSNP rs1202346709, ClinGen allele CA632875334.